The following is an entry in ClinVar:

NM_000138.5(FBN1):c.1512T>A (p.Cys504Ter)

Gene: FBN1 (fibrillin 1; minus strand). Cytogenetic location: 15q21.1.
Variant type: single nucleotide variant.
Coding change: c.1512T>A on transcript NM_000138.5 (MANE Select); coding-DNA position 1512, T replaced by A.
Protein change: p.Cys504Ter; replaces cysteine 504 with a stop codon.
Molecular consequence: nonsense.
Genome position (GRCh38, 1-based): chr15:48,513,625, A>T on the plus strand (T>A on the coding strand, the complement: FBN1 is on the minus strand). VCF-style: chr15-48513625-A-T. GRCh37 (hg19) VCF-style: chr15-48805822-A-T.
Other names: short protein forms C504*.
Identifiers: ClinVar variation 519798 (VCV000519798.5), dbSNP rs1555400285, ClinGen allele CA392342603.
Genomic context (GRCh38, chr15:48,513,625, plus strand): 5'-CGTGAGTGTGCTCTGATATCCAGCTCGGCACTGACAGGTGTACGAACCCTGGTTGTTAAT[A>T]CACTCACCACCAGCACAGGGGTTTTTCTCACATTCATCAACATCTGCAAAGCACAATGTA-3'

ClinVar aggregate classification (germline): Pathogenic (1 of 4 stars; one submission).

Conditions:
Familial thoracic aortic aneurysm and aortic dissection (TAAD). Also called: Thoracic aortic aneurysms and dissections. Identifiers: Orphanet 91387, MedGen C4707243, MONDO:0019625.

Submission:

Ambry Genetics
Classification: Pathogenic for Familial thoracic aortic aneurysm and aortic dissection. Last evaluated: 2017-11-30. Review status: criteria provided, single submitter. Criteria: Ambry Variant Classification Scheme 2023. Collection method: clinical testing. Allele origin: germline.
Comment: The p.C504* pathogenic mutation (also known as c.1512T>A), located in coding exon 12 of the FBN1 gene, results from a T to A substitution at nucleotide position 1512. This changes the amino acid from a cysteine to a stop codon within coding exon 12. This alteration is expected to result in loss of function by premature protein truncation or nonsense-mediated mRNA decay. As such, this alteration is interpreted as a disease-causing mutation.